The following is an entry in ClinVar:

ClinVar aggregate classification (germline): Pathogenic. Review status: reviewed by expert panel (3 of 4 stars). 7 submissions from 7 submitters: Pathogenic (1). 6 of the submissions do not count toward it. Last evaluated 2017-03-17.

Conditions:
CFTR-related disorder (CFTR-RD). Also called: CFTR-related disorders; CFTR-related condition. Identifiers: MedGen C5924204, MONDO:7770004.
Cystic fibrosis (CF). Also called: MUCOVISCIDOSIS. Identifiers: Orphanet 586, MedGen C0010674, MONDO:0009061, OMIM 219700. Disease mechanism: loss of function.

Submissions (7):

CFTR2
Classification: Pathogenic for Cystic fibrosis. Last evaluated: 2017-03-17. Review status: reviewed by expert panel. Criteria: Sosnay PR et al. (Nat Genet 2013). Collection method: research. Allele origin: germline. Affected: yes. Study: CFTR2.

Natera, Inc.
Classification: Pathogenic for CFTR-related disorders. Last evaluated: 2025-10-20. Review status: criteria provided, single submitter. Criteria: Natera Variant Classification Schema (03/2026). Collection method: clinical testing. Allele origin: germline. Not counted in ClinVar's aggregate classification.
Comment: The c.50delT variant in CFTR is a frameshift variant predicted to shift the reading frame beginning at codon 17 and leads to a stop codon 8 codons downstream. This variant is expected to result in nonsense mediated decay, truncation, or a dysfunctional protein product. This variant is rare in the general population with a frequency below the threshold expected for the associated phenotype(s). This variant has been observed in one or more individuals affected with the associated recessive disease, as either homozygous or compound heterozygous with a second variant (PMID: 15480987, 27035618). Given the available evidence, this variant is classified as Pathogenic.

Women's Health and Genetics/Laboratory Corporation of America, LabCorp
Classification: Pathogenic for Cystic fibrosis. Last evaluated: 2025-10-13. Review status: criteria provided, single submitter. Criteria: LabCorp Variant Classification Summary - May 2015. Collection method: clinical testing. Allele origin: germline. Not counted in ClinVar's aggregate classification.
Comment: Variant summary: CFTR c.50delT (p.Phe17SerfsX8), also reported as c.182delT, results in a premature termination codon, predicted to cause a truncation of the encoded protein or absence of the protein due to nonsense mediated decay, which are commonly known mechanisms for disease. The variant was absent in 250742 control chromosomes. c.50delT has been reported in the literature in individuals affected with Cystic Fibrosis (e.g. Shackelton_1994, Hirtz_2004, Tosco_2016). The following publications have been ascertained in the context of this evaluation (PMID: 7515303, 15480987, 27035618). ClinVar contains an entry for this variant (Variation ID: 53984). Based on the evidence outlined above, the variant was classified as pathogenic.

Ambry Genetics
Classification: Pathogenic for Cystic fibrosis. Last evaluated: 2025-03-28. Review status: criteria provided, single submitter. Criteria: Ambry Variant Classification Scheme 2023. Collection method: clinical testing. Allele origin: germline. Not counted in ClinVar's aggregate classification.
Comment: The c.50delT pathogenic mutation, located in coding exon 1 of the CFTR gene, results from a deletion of one nucleotide at nucleotide position 50, causing a translational frameshift with a predicted alternate stop codon (p.F17Sfs*8). This variant has been identified in the homozygous state and/or in conjunction with other CFTR variant(s) in individual(s) with features consistent with cystic fibrosis (Shackleton S et al. Hum Mutat, 1994;3:141-51;Hirtz S et al. Gastroenterology, 2004 Oct;127:1085-95). Of note, this alteration is also known as 182delT in published literature. In addition to the clinical data presented in the literature, this alteration is expected to result in loss of function by premature protein truncation or nonsense-mediated mRNA decay. As such, this alteration is interpreted as a disease-causing mutation.

Institute of Human Genetics, University of Leipzig Medical Center
Classification: Pathogenic for Cystic fibrosis. Last evaluated: 2022-09-05. Review status: criteria provided, single submitter. Criteria: ACMG Guidelines, 2015. Collection method: curation. Allele origin: unknown. Affected: yes. Observed: 2 variant alleles. Not counted in ClinVar's aggregate classification.
Comment: This variant was identified in 2 unrelated patients with a clinically confirmed diagnosis of cystic fibrosis. The variant was classified in the context of a project re-classifying variants in the German Cystic Fibrosis Registry (Muko.e.V.). Criteria applied: PVS1, PM2_SUP, PM3_STR

Labcorp Genetics (formerly Invitae), Labcorp
Classification: Pathogenic for Cystic fibrosis. Last evaluated: 2022-08-16. Review status: criteria provided, single submitter. Criteria: Invitae Variant Classification Sherloc (09022015). Collection method: clinical testing. Allele origin: germline. Not counted in ClinVar's aggregate classification.
Comment: For these reasons, this variant has been classified as Pathogenic. ClinVar contains an entry for this variant (Variation ID: 53984). This premature translational stop signal has been observed in individual(s) with cystic fibrosis (PMID: 7515303, 23974870). This variant is not present in population databases (gnomAD no frequency). This sequence change creates a premature translational stop signal (p.Phe17Serfs*8) in the CFTR gene. It is expected to result in an absent or disrupted protein product. Loss-of-function variants in CFTR are known to be pathogenic (PMID: 1695717, 7691345, 9725922).

CeGaT Center for Human Genetics Tuebingen
Classification: Pathogenic. Last evaluated: 2019-05-01. Review status: criteria provided, single submitter. Criteria: CeGaT Center For Human Genetics Tuebingen Variant Classification Criteria Version 2. Collection method: clinical testing. Allele origin: germline. Affected: yes. Observed: 1 variant allele. Not counted in ClinVar's aggregate classification.

Literature cited by the submitters: PubMed 15480987 (cited by 3 submitters); PubMed 27035618 (cited by Natera, Inc. and Women's Health and Genetics/Laboratory Corporation of America, LabCorp); PubMed 7515303 (cited by 3 submitters); PubMed 23974870 (cited by Labcorp Genetics (formerly Invitae), Labcorp); PubMed 1695717 (cited by Labcorp Genetics (formerly Invitae), Labcorp); PubMed 7691345 (cited by Labcorp Genetics (formerly Invitae), Labcorp); PubMed 9725922 (cited by Labcorp Genetics (formerly Invitae), Labcorp).

NM_000492.4(CFTR):c.50del (p.Phe17fs)

Gene: CFTR (CF transmembrane conductance regulator; plus strand). Cytogenetic location: 7q31.2.
Variant type: Deletion.
Coding change: c.50del on transcript NM_000492.4 (MANE Select); coding-DNA position 50, one base deleted (T; older notation c.50delT).
Protein change: p.Phe17fs; shifts the reading frame from phenylalanine 17.
Molecular consequence: frameshift variant.
Genome position (GRCh38, 1-based): chr7:117,480,144, T deleted; the last of 7 consecutive T bases (chr7:117,480,138-117,480,144); deleting any one gives the same sequence. VCF-style (leftmost placement, unchanged base first): chr7-117480137-CT-C. GRCh37 (hg19) VCF-style: chr7-117120191-CT-C.
Other names: 182delT; c.50delT (NM_000492.3, NM_000492.4); short protein forms F17fs.
Identifiers: ClinVar variation 53984 (VCV000053984.53), dbSNP rs397508714, ClinGen allele CA327545.